The following is an entry in ClinVar:

ClinVar aggregate classification (germline): Benign/Likely benign. Review status: criteria provided, multiple submitters, no conflicts (2 of 4 stars). 2 submissions from 2 submitters: Benign (1); Likely benign (1). Last evaluated 2025-01-08.

Conditions:
Lynch syndrome 5 (LYNCH5). Also called: Colorectal cancer, hereditary nonpolyposis, type 5; Hereditary non-polyposis colorectal cancer, type 5. Identifiers: Orphanet 144, MedGen C1833477, MONDO:0013710, OMIM 614350. Disease mechanism: loss of function.
Hereditary cancer-predisposing syndrome. Also called: Neoplastic Syndromes, Hereditary; Tumor predisposition; Hereditary neoplastic syndrome; Hereditary Cancer Syndrome. Identifiers: Orphanet 140162, MedGen C0027672, MeSH D009386, MONDO:0015356.

Submissions (2):

Myriad Genetics, Inc.
Classification: Benign for Lynch syndrome 5. Last evaluated: 2025-01-08. Review status: criteria provided, single submitter. Criteria: Myriad Autosomal Dominant, Autosomal Recessive and X-Linked Classification Criteria (2023). Collection method: clinical testing. Allele origin: unknown.
Comment: This variant is considered benign. This variant is a silent/synonymous amino acid change and it is not expected to impact splicing.

Ambry Genetics
Classification: Likely benign for Hereditary cancer-predisposing syndrome. Last evaluated: 2023-01-05. Review status: criteria provided, single submitter. Criteria: Ambry Variant Classification Scheme 2023. Collection method: clinical testing. Allele origin: germline.

NM_000179.3(MSH6):c.3918T>C (p.Ala1306=)

Gene: MSH6 (mutS homolog 6; plus strand). Cytogenetic location: 2p16.3.
Variant type: single nucleotide variant.
Coding change: c.3918T>C on transcript NM_000179.3 (MANE Select); coding-DNA position 3918, T replaced by C.
Protein change: p.Ala1306=; no amino-acid change (alanine 1306 retained).
Molecular consequence: synonymous variant. On other transcripts: missense variant (1), non-coding transcript variant (5), intron variant (1).
Genome position (GRCh38, 1-based): chr2:47,806,568, T>C. VCF-style: chr2-47806568-T-C. GRCh37 (hg19) VCF-style: chr2-48033707-T-C.
Other names: c.3528T>C, p.Ala1176= (NM_001281492.2); c.3012T>C, p.Ala1004= (NM_001281493.2, NM_001281494.2, NM_001406811.1 and 6 more transcripts); c.4014T>C, p.Ala1338= (NM_001406795.1); c.3918T>C, p.Ala1306= (NM_001406796.1, NM_001406808.1, NM_001406809.1); c.3621T>C, p.Ala1207= (NM_001406797.1, NM_001406801.1, NM_001406805.1 and 10 more transcripts); c.3744T>C, p.Ala1248= (NM_001406798.1); c.3393T>C, p.Ala1131= (NM_001406799.1, NM_001406806.1, NM_001406807.1); c.3905T>C, p.Leu1302Pro (NM_001406800.1); and 9 more; short protein forms L1302P.
Identifiers: ClinVar variation 2453192 (VCV002453192.3), dbSNP rs2530869250, ClinGen allele CA426122157.